The following is an entry in ClinVar:

ClinVar aggregate classification (germline): Uncertain significance. Review status: criteria provided, multiple submitters, no conflicts (2 of 4 stars). 2 submissions from 2 submitters: Uncertain significance (2). Last evaluated 2023-10-25.

Conditions:
Inborn genetic diseases. Identifiers: MedGen C0950123, MeSH D030342.

Allele frequency attached by ClinVar (database versions not stated): gnomAD 0.00002; gnomAD exomes 0.00002; TOPMed 0.00003.
gnomAD v4.1: 23 of 1,373,120 alleles (0.0017%); highest among the groups gnomAD compares: Non-Finnish European, 0.0021%; no homozygotes.

Submissions (2):

Labcorp Genetics (formerly Invitae), Labcorp
Classification: Uncertain significance. Last evaluated: 2023-10-25. Review status: criteria provided, single submitter. Criteria: Invitae Variant Classification Sherloc (09022015). Collection method: clinical testing. Allele origin: germline.
Comment: This sequence change replaces arginine, which is basic and polar, with cysteine, which is neutral and slightly polar, at codon 1389 of the NOTCH3 protein (p.Arg1389Cys). This variant is not present in population databases (gnomAD no frequency). This variant has not been reported in the literature in individuals affected with NOTCH3-related conditions. ClinVar contains an entry for this variant (Variation ID: 2237546). Advanced modeling of protein sequence and biophysical properties (such as structural, functional, and spatial information, amino acid conservation, physicochemical variation, residue mobility, and thermodynamic stability) has been performed at Invitae for this missense variant, however the output from this modeling did not meet the statistical confidence thresholds required to predict the impact of this variant on NOTCH3 protein function. In summary, the available evidence is currently insufficient to determine the role of this variant in disease. Therefore, it has been classified as a Variant of Uncertain Significance.

Ambry Genetics
Classification: Uncertain significance for Inborn genetic diseases. Last evaluated: 2021-07-14. Review status: criteria provided, single submitter. Criteria: Ambry Variant Classification Scheme 2023. Collection method: clinical testing. Allele origin: germline.

NM_000435.3(NOTCH3):c.4165C>T (p.Arg1389Cys)

Genes: NOTCH3 (notch receptor 3; minus strand), LOC130063807 (ATAC-STARR-seq lymphoblastoid silent region 10267; plus strand). Cytogenetic location: 19p13.12.
Variant type: single nucleotide variant.
Coding change: c.4165C>T on transcript NM_000435.3 (MANE Select); coding-DNA position 4165, C replaced by T.
Protein change: p.Arg1389Cys; replaces arginine 1389 with cysteine.
Molecular consequence: missense variant.
Genome position (GRCh38, 1-based): chr19:15,177,763, G>A on the plus strand (C>T on the coding strand, the complement: NOTCH3 is on the minus strand). VCF-style: chr19-15177763-G-A. GRCh37 (hg19) VCF-style: chr19-15288574-G-A.
Other names: short protein forms R1389C.
Identifiers: ClinVar variation 2237546 (VCV002237546.5), dbSNP rs1159936853, ClinGen allele CA404504472.